The following is an entry in ClinVar:

ClinVar aggregate classification (germline): Benign (0 of 4 stars; one submission).

Conditions:
NLRP5-related disorder. Also called: NLRP5-related condition.

Allele frequency attached by ClinVar (database versions not stated): gnomAD exomes 0.91902; ESP Exome Variant Server 0.94062; gnomAD 0.93566; TOPMed 0.93624; 1000 Genomes Project 0.93970; 1000 Genomes Project 30x 0.94269.
gnomAD v4.1: 1,476,746 of 1,604,192 alleles (92%); highest among the groups gnomAD compares: African/African-American, 98%; 680,066 homozygotes.

Submission:

PreventionGenetics, part of Exact Sciences
Classification: Benign for NLRP5-related condition. Last evaluated: 2019-10-17. Review status: no assertion criteria provided. Collection method: clinical testing. Allele origin: germline.
Comment: This variant is classified as benign based on ACMG/AMP sequence variant interpretation guidelines (Richards et al. 2015 PMID: 25741868, with internal and published modifications).

NC_000019.10:g.55999716C>G

Gene: NLRP5 (NLR family pyrin domain containing 5; plus strand). Cytogenetic location: 19q13.43.
Variant type: single nucleotide variant.
Genome position: GRCh38 VCF-style: chr19-55999716-C-G. GRCh37 (hg19) VCF-style: chr19-56511082-C-G.
Identifiers: ClinVar variation 3059065 (VCV003059065.2), dbSNP rs35427984, ClinGen allele CA9685046.